The following is an entry in ClinVar:

ClinVar aggregate classification (germline): Uncertain significance (1 of 4 stars; one submission).

Conditions:
Epilepsy, familial adult myoclonic, 5 (EPEO5). Also called: CORTICAL MYOCLONIC TREMOR WITH EPILEPSY, FAMILIAL, 5. Identifiers: Orphanet 86814, MedGen C3809374, MONDO:0014167, OMIM 615400.

Allele frequency attached by ClinVar (database versions not stated): gnomAD exomes below 0.00001; gnomAD 0.00001; ExAC 0.00002; TOPMed 0.00002; 1000 Genomes Project 30x 0.00016; 1000 Genomes Project 0.00020.
gnomAD v4.1: 4 of 1,614,082 alleles (0.00025%); highest among the groups gnomAD compares: African/African-American, 0.004%; no homozygotes.

Submission:

Labcorp Genetics (formerly Invitae), Labcorp
Classification: Uncertain significance for Epilepsy, familial adult myoclonic, 5. Last evaluated: 2022-08-08. Review status: criteria provided, single submitter. Criteria: Invitae Variant Classification Sherloc (09022015). Collection method: clinical testing. Allele origin: germline.
Comment: This sequence change replaces valine, which is neutral and non-polar, with methionine, which is neutral and non-polar, at codon 565 of the CNTN2 protein (p.Val565Met). This variant is present in population databases (rs553636404, gnomAD 0.01%). This variant has not been reported in the literature in individuals affected with CNTN2-related conditions. Algorithms developed to predict the effect of missense changes on protein structure and function output the following: SIFT: "Deleterious"; PolyPhen-2: "Benign"; Align-GVGD: "Class C0". The methionine amino acid residue is found in multiple mammalian species, which suggests that this missense change does not adversely affect protein function. In summary, the available evidence is currently insufficient to determine the role of this variant in disease. Therefore, it has been classified as a Variant of Uncertain Significance.

NM_005076.5(CNTN2):c.1693G>A (p.Val565Met)

Gene: CNTN2 (contactin 2; plus strand). Cytogenetic location: 1q32.1.
Variant type: single nucleotide variant.
Coding change: c.1693G>A on transcript NM_005076.5 (MANE Select); coding-DNA position 1693, G replaced by A.
Protein change: p.Val565Met; replaces valine 565 with methionine.
Molecular consequence: missense variant. On other transcripts: non-coding transcript variant (1).
Genome position (GRCh38, 1-based): chr1:205,065,260, G>A. VCF-style: chr1-205065260-G-A. GRCh37 (hg19) VCF-style: chr1-205034388-G-A.
Other names: c.1693G>A, p.Val565Met (NM_001346083.2); short protein forms V565M.
Identifiers: ClinVar variation 2085014 (VCV002085014.1), dbSNP rs553636404, ClinGen allele CA1351447.
Genomic context (GRCh38, chr1:205,065,260, plus strand): 5'-ACCCTGGACGACTTCCCCATCGACTTTGATAAGCCTGGAGGGCACTACCGGAGAACTAAT[G>A]TGGTGAGACCTAGGGCCAGAGCCCCATGGCTTCTCCCTCCTTCTAGAGAGACAGGGGCCC-3'
Protein context (NP_005067.1, residues 555-575): KPGGHYRRTN[Val565Met]KETIGDLTIL